The following is an entry in ClinVar:

ClinVar aggregate classification (germline): Uncertain significance (1 of 4 stars; one submission).

Submission:

CeGaT Center for Human Genetics Tuebingen
Classification: Uncertain significance. Last evaluated: 2026-04-01. Review status: criteria provided, single submitter. Criteria: CeGaT Center For Human Genetics Tuebingen Variant Classification Criteria Version 2. Collection method: clinical testing. Allele origin: germline. Affected: yes. Observed: 1 variant allele.
Comment: HTRA1: PM2

NC_000010.11:g.122458661C>T

Genes: HTRA1 (HtrA serine peptidase 1; plus strand), HTRA1-AS1 (HTRA1 and ARMS2 antisense RNA 1; minus strand). Cytogenetic location: 10q26.13.
Variant type: single nucleotide variant.
Genome position: GRCh38 VCF-style: chr10-122458661-C-T. GRCh37 (hg19) VCF-style: chr10-124218177-C-T.
Identifiers: ClinVar variation 4873483 (VCV004873483.2).